The following is an entry in ClinVar:

ClinVar aggregate classification (germline): Pathogenic/Likely pathogenic. Review status: criteria provided, multiple submitters, no conflicts (2 of 4 stars). 2 submissions from 2 submitters: Pathogenic (1); Likely pathogenic (1). Last evaluated 2025-06-16.

Conditions:
Hereditary spastic paraplegia 49 (HSAN9). Also called: Spastic paraplegia 49, autosomal recessive; TECPR2-Related Hereditary Sensory and Autonomic Neuropathy with Intellectual Disability; NEUROPATHY, HEREDITARY SENSORY AND AUTONOMIC, TYPE IX, WITH DEVELOPMENTAL DELAY. Identifiers: Orphanet 320385, MedGen C5190860, MONDO:0014016, OMIM 615031.

Submissions (2):

Natera, Inc.
Classification: Likely pathogenic for Autosomal recessive spastic paraplegia type 49. Last evaluated: 2025-06-16. Review status: criteria provided, single submitter. Criteria: Natera Variant Classification Schema (03/2026). Collection method: clinical testing. Allele origin: germline.
Comment: The c.3508_3532dupGAGATGCGCGCCTATGCCGCCTGCC variant in TECPR2 is a frameshift variant predicted to shift the reading frame beginning at codon 1178 and leads to a stop codon 63 codons downstream. This variant is expected to result in nonsense mediated decay, truncation, or a dysfunctional protein product. This variant is rare in the general population with a frequency below the threshold expected for the associated phenotype(s). Given the available evidence, this variant is classified as Likely Pathogenic.

Greenwood Genetic Center Diagnostic Laboratories, Greenwood Genetic Center
Classification: Pathogenic for Hereditary spastic paraplegia 49. Last evaluated: 2024-02-02. Review status: criteria provided, single submitter. Criteria: ACMG Guidelines, 2015. Collection method: clinical testing. Allele origin: germline. Affected: yes.
Comment: PVS1, PM2, PM3_supporting

NM_014844.5(TECPR2):c.3508_3532dup (p.Gln1178fs)

Gene: TECPR2 (tectonin beta-propeller repeat containing 2; plus strand). Cytogenetic location: 14q32.31.
Variant type: Duplication.
Coding change: c.3508_3532dup on transcript NM_014844.5 (MANE Select); coding-DNA positions 3508 to 3532, 25 bases duplicated (GAGATGCGCGCCTATGCCGCCTGCC).
Protein change: p.Gln1178fs; shifts the reading frame from glutamine 1178.
Molecular consequence: frameshift variant.
Genome position (GRCh38, 1-based): chr14:102,452,495-102,452,519, GAGATGCGCGCCTATGCCGCCTGCC duplicated; duplicating any 25 consecutive bases within chr14:102,452,492-102,452,519 gives the same sequence; the c. name uses the placement nearest the transcript's 3' end. VCF-style (leftmost placement, unchanged base first): chr14-102452491-A-AGCCGAGATGCGCGCCTATGCCGCCT. GRCh37 (hg19) VCF-style: chr14-102918828-A-AGCCGAGATGCGCGCCTATGCCGCCT.
Other names: c.3508_3532dup, p.Gln1178fs (NM_001172631.3); c.3508_3532dupGAGATGCGCGCCTATGCCGCCTGCC (NM_014844.4); short protein forms Q1178fs.
Identifiers: ClinVar variation 3235877 (VCV003235877.2), dbSNP rs2504458939, ClinGen allele CA2825002232.